The following is an entry in ClinVar:

NM_014423.4(AFF4):c.3133G>A (p.Gly1045Ser)

Gene: AFF4 (ALF transcription elongation factor 4; minus strand). Cytogenetic location: 5q31.1.
Variant type: single nucleotide variant.
Coding change: c.3133G>A on transcript NM_014423.4 (MANE Select); coding-DNA position 3133, G replaced by A.
Protein change: p.Gly1045Ser; replaces glycine 1045 with serine.
Molecular consequence: missense variant.
Genome position (GRCh38, 1-based): chr5:132,885,086, C>T on the plus strand (G>A on the coding strand, the complement: AFF4 is on the minus strand). VCF-style: chr5-132885086-C-T. GRCh37 (hg19) VCF-style: chr5-132220778-C-T.
Other names: short protein forms G1045S.
Identifiers: ClinVar variation 4997127 (VCV004997127.1).

ClinVar aggregate classification (germline): Uncertain significance (1 of 4 stars; one submission).

Conditions:
AFF4-related disorder. Also called: AFF4-related condition.

Submission:

PreventionGenetics, part of Exact Sciences
Classification: Uncertain significance for AFF4-related condition. Last evaluated: 2025-06-12. Review status: criteria provided, single submitter. Criteria: ACMG Guidelines, 2015. Collection method: clinical testing. Allele origin: germline.
Comment: The AFF4 c.3133G>A variant is predicted to result in the amino acid substitution p.Gly1045Ser. To our knowledge, this variant has not been reported in the literature or in a large population database (gnomAD), indicating this variant is rare. At this time, the clinical significance of this variant is uncertain due to the absence of conclusive functional and genetic evidence.